The following is an entry in ClinVar:

NM_004415.4(DSP):c.6290A>C (p.Asp2097Ala)

Gene: DSP (desmoplakin; plus strand). Cytogenetic location: 6p24.3.
Variant type: single nucleotide variant.
Coding change: c.6290A>C on transcript NM_004415.4 (MANE Select); coding-DNA position 6290, A replaced by C.
Protein change: p.Asp2097Ala; replaces aspartic acid 2097 with alanine.
Molecular consequence: missense variant.
Genome position (GRCh38, 1-based): chr6:7,583,552, A>C. VCF-style: chr6-7583552-A-C. GRCh37 (hg19) VCF-style: chr6-7583785-A-C.
Other names: c.4493A>C, p.Asp1498Ala (NM_001008844.3); c.4961A>C, p.Asp1654Ala (NM_001319034.2); short protein forms D1654A, D1498A, D2097A.
Identifiers: ClinVar variation 2775341 (VCV002775341.2), dbSNP rs781279370, ClinGen allele CA362690485.

ClinVar aggregate classification (germline): Uncertain significance (1 of 4 stars; one submission).

Conditions:
Cardiomyopathy (CMYO). Also called: Cardiomyopathies. Identifiers: Orphanet 167848, MedGen C0878544, MONDO:0004994, HP:0001638. Inheritance: Various modes of inheritance.

Submission:

Color Diagnostics, LLC DBA Color Health
Classification: Uncertain significance for Cardiomyopathy. Last evaluated: 2024-03-06. Review status: criteria provided, single submitter. Criteria: ACMG Guidelines, 2015. Collection method: clinical testing. Allele origin: germline.
Comment: This missense variant replaces aspartic acid with alanine at codon 2097 of the DSP protein. Computational prediction suggests that this variant may not impact protein structure and function (internally defined REVEL score threshold <= 0.5, PMID: 27666373). To our knowledge, functional studies have not been reported for this variant. This variant has not been reported in individuals affected with cardiovascular disorders in the literature. This variant has not been identified in the general population by the Genome Aggregation Database (gnomAD). The available evidence is insufficient to determine the role of this variant in disease conclusively. Therefore, this variant is classified as a Variant of Uncertain Significance.